The following is an entry in ClinVar:

NM_004380.3(CREBBP):c.84A>C (p.Thr28=)

Genes: CREBBP (CREB binding lysine acetyltransferase; minus strand), LOC130058357 (ATAC-STARR-seq lymphoblastoid silent region 7141; plus strand). Cytogenetic location: 16p13.3.
Variant type: single nucleotide variant.
Coding change: c.84A>C on transcript NM_004380.3 (MANE Select); coding-DNA position 84, A replaced by C.
Protein change: p.Thr28=; no amino-acid change (threonine 28 retained).
Molecular consequence: synonymous variant.
Genome position (GRCh38, 1-based): chr16:3,879,833, T>G on the plus strand (A>C on the coding strand, the complement: CREBBP is on the minus strand). VCF-style: chr16-3879833-T-G. GRCh37 (hg19) VCF-style: chr16-3929834-T-G.
Other names: c.84A>C, p.Thr28= (NM_001079846.1); c.84A>C (NM_004380.2).
Identifiers: ClinVar variation 807982 (VCV000807982.42), dbSNP rs1597099402, ClinGen allele CA493277097.

ClinVar aggregate classification (germline): Uncertain significance. Review status: criteria provided, single submitter (1 of 4 stars). 2 submissions from 2 submitters: Uncertain significance (1). 1 of the submissions does not count toward it. Last evaluated 2019-02-01.

Conditions:
CREBBP-related disorder. Also called: CREBBP-related condition; CREBBP-related disorders.

Submissions (2):

CeGaT Center for Human Genetics Tuebingen
Classification: Uncertain significance. Last evaluated: 2019-02-01. Review status: criteria provided, single submitter. Criteria: CeGaT Center For Human Genetics Tuebingen Variant Classification Criteria Version 2. Collection method: clinical testing. Allele origin: germline. Affected: yes. Observed: 2 variant alleles.

PreventionGenetics, part of Exact Sciences
Classification: Likely benign for CREBBP-related condition. Last evaluated: 2022-11-29. Review status: no assertion criteria provided. Collection method: clinical testing. Allele origin: germline. Not counted in ClinVar's aggregate classification.
Comment: This variant is classified as likely benign based on ACMG/AMP sequence variant interpretation guidelines (Richards et al. 2015 PMID: 25741868, with internal and published modifications).